The following is an entry in ClinVar:

NM_001364905.1(LRBA):c.8305G>A (p.Asp2769Asn)

Gene: LRBA (LPS responsive beige-like anchor protein; minus strand). Cytogenetic location: 4q31.3.
Variant type: single nucleotide variant.
Coding change: c.8305G>A on transcript NM_001364905.1 (MANE Select); coding-DNA position 8305, G replaced by A.
Protein change: p.Asp2769Asn; replaces aspartic acid 2769 with asparagine.
Molecular consequence: missense variant.
Genome position (GRCh38, 1-based): chr4:150,282,461, C>T on the plus strand (G>A on the coding strand, the complement: LRBA is on the minus strand). VCF-style: chr4-150282461-C-T. GRCh37 (hg19) VCF-style: chr4-151203613-C-T.
Other names: c.8320G>A, p.Asp2774Asn (NM_001367550.1); c.8338G>A, p.Asp2780Asn (NM_006726.5); c.8302G>A, p.Asp2768Asn (NM_001199282.3); short protein forms D2774N, D2780N, D2769N, D2768N.
Identifiers: ClinVar variation 2130062 (VCV002130062.4), dbSNP rs2545727449, ClinGen allele CA358439870.
Genomic context (GRCh38, chr4:150,282,461, plus strand): 5'-CACGTTGAGGTAAAAGTCGTGAATGCTGAAGAGTCCCCAGGGCACTCACTCTTATGTTAT[C>T]ATCTGTTTCCATCGTGGCCTGGAGTTTTCCATTCACACTGAATGTACAGAAGAGGCCGTT-3'
Protein context (NP_001351834.1, residues 2759-2779): GKLQATMETD[Asp2769Asn]NIRAIQLSRD

ClinVar aggregate classification (germline): Uncertain significance (1 of 4 stars; one submission).

Conditions:
Combined immunodeficiency due to LRBA deficiency. Also called: Common variable immunodeficiency 8, with autoimmunity. Identifiers: Orphanet 445018, MedGen C3553512, MONDO:0013863, OMIM 614700.

Submission:

Labcorp Genetics (formerly Invitae), Labcorp
Classification: Uncertain significance for Combined immunodeficiency due to LRBA deficiency. Last evaluated: 2022-04-24. Review status: criteria provided, single submitter. Criteria: Invitae Variant Classification Sherloc (09022015). Collection method: clinical testing. Allele origin: germline.
Comment: In summary, the available evidence is currently insufficient to determine the role of this variant in disease. Therefore, it has been classified as a Variant of Uncertain Significance. Algorithms developed to predict the effect of missense changes on protein structure and function are either unavailable or do not agree on the potential impact of this missense change (SIFT: "Tolerated"; PolyPhen-2: "Probably Damaging"; Align-GVGD: "Class C0"). This variant has not been reported in the literature in individuals affected with LRBA-related conditions. This variant is not present in population databases (gnomAD no frequency). This sequence change replaces aspartic acid, which is acidic and polar, with asparagine, which is neutral and polar, at codon 2780 of the LRBA protein (p.Asp2780Asn).